The following is an entry in ClinVar:

ClinVar aggregate classification (germline): Uncertain significance (1 of 4 stars; one submission).

Conditions:
Autosomal recessive limb-girdle muscular dystrophy type 2J (LGMDR10). Also called: Limb-girdle muscular dystrophy, type 2J; MUSCULAR DYSTROPHY, LIMB-GIRDLE, AUTOSOMAL RECESSIVE 10. Identifiers: Orphanet 140922, MedGen C1837342, MONDO:0012127, OMIM 608807.
Dilated cardiomyopathy 1G (CMD1G). Identifiers: Orphanet 154, MedGen C1858763, MONDO:0011400, OMIM 604145.

Submission:

Labcorp Genetics (formerly Invitae), Labcorp
Classification: Uncertain significance for Dilated cardiomyopathy 1G; Autosomal recessive limb-girdle muscular dystrophy type 2J. Last evaluated: 2024-02-16. Review status: criteria provided, single submitter. Criteria: Invitae Variant Classification Sherloc (09022015). Collection method: clinical testing. Allele origin: germline.
Comment: This sequence change replaces alanine, which is neutral and non-polar, with valine, which is neutral and non-polar, at codon 33671 of the TTN protein (p.Ala33671Val). This variant is not present in population databases (gnomAD no frequency). This variant has not been reported in the literature in individuals affected with TTN-related conditions. Experimental studies and prediction algorithms are not available or were not evaluated, and the functional significance of this variant is currently unknown. This variant is located in the M band of TTN (PMID: 25589632). Non-truncating variants in this region may be relevant for neuromuscular disorders, but have not been definitively shown to cause cardiomyopathy (PMID: 23975875). In summary, the available evidence is currently insufficient to determine the role of this variant in disease. Therefore, it has been classified as a Variant of Uncertain Significance.

Literature cited by the submitters: PubMed 25589632; PubMed 23975875.

NM_001267550.2(TTN):c.101012C>T (p.Ala33671Val)

Genes: TTN-AS1 (TTN antisense RNA 1; plus strand), TTN (titin; minus strand). Cytogenetic location: 2q31.2.
Variant type: single nucleotide variant.
Coding change: c.101012C>T on transcript NM_001267550.2 (MANE Select); coding-DNA position 101012, C replaced by T.
Protein change: p.Ala33671Val; replaces alanine 33671 with valine.
Molecular consequence: missense variant.
Genome position (GRCh38, 1-based): chr2:178,535,603, G>A on the plus strand (C>T on the coding strand, the complement: TTN is on the minus strand). VCF-style: chr2-178535603-G-A. GRCh37 (hg19) VCF-style: chr2-179400330-G-A.
Other names: c.96089C>T, p.Ala32030Val (NM_001256850.1); c.73817C>T, p.Ala24606Val (NM_003319.4); c.93308C>T, p.Ala31103Val (NM_133378.4); c.74192C>T, p.Ala24731Val (NM_133432.3); c.74393C>T, p.Ala24798Val (NM_133437.4); short protein forms A24606V, A24731V, A24798V, A31103V, A32030V, A33671V.
Identifiers: ClinVar variation 3753490 (VCV003753490.2).
Genomic context (GRCh38, chr2:178,535,603, plus strand): 5'-TCAGGAACATCAGCCACATCCAGTTCAACTGTCTTCTGATCAATTCCAAATCTGTTTTTA[G>A]CACAGACCACATAGAAACCAGCATCTTTTCTCTCTACCCCATTGGGGAAAACAAGTGATG-3'
Protein context (NP_001254479.2, residues 33661-33681): RKDAGFYVVC[Ala33671Val]KNRFGIDQKT